The following is an entry in ClinVar:

NM_014014.5(SNRNP200):c.3209T>C (p.Leu1070Pro)

Gene: SNRNP200 (small nuclear ribonucleoprotein U5 subunit 200; minus strand). Cytogenetic location: 2q11.2.
Variant type: single nucleotide variant.
Coding change: c.3209T>C on transcript NM_014014.5 (MANE Select); coding-DNA position 3209, T replaced by C.
Protein change: p.Leu1070Pro; replaces leucine 1070 with proline.
Molecular consequence: missense variant.
Genome position (GRCh38, 1-based): chr2:96,288,712, A>G on the plus strand (T>C on the coding strand, the complement: SNRNP200 is on the minus strand). VCF-style: chr2-96288712-A-G. GRCh37 (hg19) VCF-style: chr2-96954450-A-G.
Other names: short protein forms L1070P.
Identifiers: ClinVar variation 1955801 (VCV001955801.5), dbSNP rs2063865909, ClinGen allele CA347673553.

ClinVar aggregate classification (germline): Uncertain significance (1 of 4 stars; one submission).

Allele frequency attached by ClinVar (database versions not stated): TOPMed 0.00001; gnomAD 0.00002.
gnomAD v4.1: 3 of 1,613,982 alleles (0.00019%); highest among the groups gnomAD compares: African/African-American, 0.0013%; no homozygotes.

Submission:

Labcorp Genetics (formerly Invitae), Labcorp
Classification: Uncertain significance. Last evaluated: 2026-01-26. Review status: criteria provided, single submitter. Criteria: Invitae Variant Classification Sherloc (09022015). Collection method: clinical testing. Allele origin: germline.
Comment: This sequence change replaces leucine, which is neutral and non-polar, with proline, which is neutral and non-polar, at codon 1070 of the SNRNP200 protein (p.Leu1070Pro). This variant is not present in population databases (gnomAD no frequency). This variant has not been reported in the literature in individuals affected with SNRNP200-related conditions. ClinVar contains an entry for this variant (Variation ID: 1955801). Invitae Evidence Modeling of protein sequence and biophysical properties (such as structural, functional, and spatial information, amino acid conservation, physicochemical variation, residue mobility, and thermodynamic stability) indicates that this missense variant is expected to disrupt SNRNP200 protein function with a positive predictive value of 95%. In summary, the available evidence is currently insufficient to determine the role of this variant in disease. Therefore, it has been classified as a Variant of Uncertain Significance.